The following is an entry in ClinVar:

ClinVar aggregate classification (germline): Pathogenic/Likely pathogenic. Review status: criteria provided, multiple submitters, no conflicts (2 of 4 stars). 3 submissions from 3 submitters: Pathogenic (1); Likely pathogenic (2). Last evaluated 2025-10-01.

Conditions:
Primary ciliary dyskinesia. Also called: Ciliary dyskinesia. Identifiers: Orphanet 244, MedGen C0008780, MONDO:0016575, HP:0012265.
Primary ciliary dyskinesia 3. Identifiers: Orphanet 244, MedGen C1837618, MONDO:0012085, OMIM 608644.

gnomAD v4.1: 1 of 1,614,128 alleles (0.000062%); highest among the groups gnomAD compares: Admixed American, 0.0017%; no homozygotes.

Submissions (3):

Women's Health and Genetics/Laboratory Corporation of America, LabCorp
Classification: Likely pathogenic for Primary ciliary dyskinesia 3. Last evaluated: 2025-10-01. Review status: criteria provided, single submitter. Criteria: LabCorp Variant Classification Summary - May 2015. Collection method: clinical testing. Allele origin: germline.
Comment: Variant summary: DNAH5 c.6088T>G (p.Cys2030Gly) results in a non-conservative amino acid change located in the Dynein heavy chain, hydrolytic ATP-binding dynein motor region (IPR035699) of the encoded protein sequence. Algorithms developed to predict the effect of missense changes on protein structure and function are either unavailable or do not agree on the potential impact of this missense change. The variant was absent in 251124 control chromosomes. c.6088T>G has been observed in individuals affected with Primary ciliary dyskinesia 3 (LCG internal data). These data indicate that the variant may be associated with disease. To our knowledge, no experimental evidence demonstrating an impact on protein function has been reported. ClinVar contains an entry for this variant (Variation ID: 1016659). Based on the evidence outlined above, the variant was classified as likely pathogenic.

Labcorp Genetics (formerly Invitae), Labcorp
Classification: Pathogenic for Primary ciliary dyskinesia. Last evaluated: 2025-06-25. Review status: criteria provided, single submitter. Criteria: Invitae Variant Classification Sherloc (09022015). Collection method: clinical testing. Allele origin: germline.
Comment: This sequence change replaces cysteine, which is neutral and slightly polar, with glycine, which is neutral and non-polar, at codon 2030 of the DNAH5 protein (p.Cys2030Gly). This variant is not present in population databases (gnomAD no frequency). This missense change has been observed in individual(s) with clinical features of primary ciliary dyskinesia (internal data). ClinVar contains an entry for this variant (Variation ID: 1016659). Invitae Evidence Modeling of protein sequence and biophysical properties (such as structural, functional, and spatial information, amino acid conservation, physicochemical variation, residue mobility, and thermodynamic stability) has been performed for this missense variant. However, the output from this modeling did not meet the statistical confidence thresholds required to predict the impact of this variant on DNAH5 protein function. For these reasons, this variant has been classified as Pathogenic.

Fulgent Genetics
Classification: Likely pathogenic for Primary ciliary dyskinesia 3. Last evaluated: 2024-05-19. Review status: criteria provided, single submitter. Criteria: ACMG Guidelines, 2015. Collection method: clinical testing. Allele origin: germline.

Literature cited by the submitters: PubMed 39695270 (cited by Women's Health and Genetics/Laboratory Corporation of America, LabCorp).

NM_001369.3(DNAH5):c.6088T>G (p.Cys2030Gly)

Gene: DNAH5 (dynein axonemal heavy chain 5; minus strand). Cytogenetic location: 5p15.2.
Variant type: single nucleotide variant.
Coding change: c.6088T>G on transcript NM_001369.3 (MANE Select); coding-DNA position 6088, T replaced by G.
Protein change: p.Cys2030Gly; replaces cysteine 2030 with glycine.
Molecular consequence: missense variant.
Genome position (GRCh38, 1-based): chr5:13,830,187, A>C on the plus strand (T>G on the coding strand, the complement: DNAH5 is on the minus strand). VCF-style: chr5-13830187-A-C. GRCh37 (hg19) VCF-style: chr5-13830296-A-C.
Other names: short protein forms C2030G.
Identifiers: ClinVar variation 1016659 (VCV001016659.13), dbSNP rs1763453207, ClinGen allele CA359201718.